The following is an entry in ClinVar:

NM_020066.5(FMN2):c.3528G>A (p.Pro1176=)

Gene: FMN2 (formin 2; plus strand). Cytogenetic location: 1q43.
Variant type: single nucleotide variant.
Coding change: c.3528G>A on transcript NM_020066.5 (MANE Select); coding-DNA position 3528, G replaced by A.
Protein change: p.Pro1176=; no amino-acid change (proline 1176 retained).
Molecular consequence: synonymous variant. On other transcripts: intron variant (1).
Genome position (GRCh38, 1-based): chr1:240,208,340, G>A. VCF-style: chr1-240208340-G-A. GRCh37 (hg19) VCF-style: chr1-240371640-G-A.
Other names: c.3540G>A, p.Pro1180= (NM_001305424.2); c.1986+20078G>A (NM_001348094.2).
Identifiers: ClinVar variation 3036593 (VCV003036593.15), dbSNP rs183336748, ClinGen allele CA1477228.

ClinVar aggregate classification (germline): Likely benign. Review status: criteria provided, single submitter (1 of 4 stars). 2 submissions from 2 submitters: Likely benign (1). 1 of the submissions does not count toward it. Last evaluated 2024-12-01.

Conditions:
FMN2-related disorder. Also called: FMN2-related condition.

Allele frequency attached by ClinVar (database versions not stated): ExAC 0.00003.

Submissions (2):

CeGaT Center for Human Genetics Tuebingen
Classification: Likely benign. Last evaluated: 2024-12-01. Review status: criteria provided, single submitter. Criteria: CeGaT Center For Human Genetics Tuebingen Variant Classification Criteria Version 2. Collection method: clinical testing. Allele origin: germline. Affected: yes. Observed: 1 variant allele.
Comment: FMN2: BP4, BP7

PreventionGenetics, part of Exact Sciences
Classification: Likely benign for FMN2-related condition. Last evaluated: 2020-08-22. Review status: no assertion criteria provided. Collection method: clinical testing. Allele origin: germline. Not counted in ClinVar's aggregate classification.
Comment: This variant is classified as likely benign based on ACMG/AMP sequence variant interpretation guidelines (Richards et al. 2015 PMID: 25741868, with internal and published modifications).